The following is an entry in ClinVar:

NM_001909.5(CTSD):c.918T>G (p.Asp306Glu)

Gene: CTSD (cathepsin D; minus strand). Cytogenetic location: 11p15.5.
Variant type: single nucleotide variant.
Coding change: c.918T>G on transcript NM_001909.5 (MANE Select); coding-DNA position 918, T replaced by G.
Protein change: p.Asp306Glu; replaces aspartic acid 306 with glutamic acid.
Molecular consequence: missense variant.
Genome position (GRCh38, 1-based): chr11:1,754,048, A>C on the plus strand (T>G on the coding strand, the complement: CTSD is on the minus strand). VCF-style: chr11-1754048-A-C. GRCh37 (hg19) VCF-style: chr11-1775278-A-C.
Other names: short protein forms D306E.
Identifiers: ClinVar variation 2110822 (VCV002110822.4), dbSNP rs2133657880, ClinGen allele CA379093803.
Genomic context (GRCh38, chr11:1,754,048, plus strand): 5'-GCTCACCTCGCCCTGAATCAGCGGCACGGCCCCGATGGCCTTCTGCAGCTCGCGCACCTC[A>C]TCCACCGGGCCCACCATGAGGGAAGTGCCTGTGTCCACAATGGCCTCACAGCCCTCCTTG-3'
Protein context (NP_001900.1, residues 296-316): TGTSLMVGPV[Asp306Glu]EVRELQKAIG

ClinVar aggregate classification (germline): Uncertain significance (1 of 4 stars; one submission).

Conditions:
Neuronal ceroid lipofuscinosis. Also called: Neuronal Ceroid Lipofuscinoses. Identifiers: Orphanet 216, Orphanet 79263, MedGen C0027877, MONDO:0016295. Disease mechanism: loss of function.

Submission:

Labcorp Genetics (formerly Invitae), Labcorp
Classification: Uncertain significance for Neuronal ceroid lipofuscinosis. Last evaluated: 2022-04-26. Review status: criteria provided, single submitter. Criteria: Invitae Variant Classification Sherloc (09022015). Collection method: clinical testing. Allele origin: germline.
Comment: In summary, the available evidence is currently insufficient to determine the role of this variant in disease. Therefore, it has been classified as a Variant of Uncertain Significance. Algorithms developed to predict the effect of missense changes on protein structure and function output the following: SIFT: "Tolerated"; PolyPhen-2: "Benign"; Align-GVGD: "Class C0". The glutamic acid amino acid residue is found in multiple mammalian species, which suggests that this missense change does not adversely affect protein function. This variant has not been reported in the literature in individuals affected with CTSD-related conditions. This variant is not present in population databases (gnomAD no frequency). This sequence change replaces aspartic acid, which is acidic and polar, with glutamic acid, which is acidic and polar, at codon 306 of the CTSD protein (p.Asp306Glu).